The following is an entry in ClinVar:

NM_007294.4(BRCA1):c.4357+117G>A

Gene: BRCA1 (BRCA1 DNA repair associated; minus strand). Cytogenetic location: 17q21.31.
Variant type: single nucleotide variant.
Coding change: c.4357+117G>A on transcript NM_007294.4 (MANE Select); 117 bases into the intron after coding-DNA position 4357, G replaced by A.
Molecular consequence: intron variant.
Genome position (GRCh38, 1-based): chr17:43,082,287, C>T on the plus strand (G>A on the coding strand, the complement: BRCA1 is on the minus strand). VCF-style: chr17-43082287-C-T. GRCh37 (hg19) VCF-style: chr17-41234304-C-T.
Other names: IVS13+117G>A; IVS 13+117G>A; c.4357+117G>A (NM_001407605.1, NM_001407619.1, NM_001407684.1 and 23 more transcripts); c.4147+117G>A (NM_001407902.1, NM_001407882.1, NM_001407885.1 and 9 more transcripts); c.970+117G>A (NM_001408414.1, NM_001408411.1, NM_001408415.1 and 2 more transcripts); c.4279+117G>A (NM_001407655.1, NM_001407657.1, NM_001407654.1 and 2 more transcripts); c.4018+117G>A (NM_001407956.1); c.4144+117G>A (NM_001407897.1, NM_001407908.1, NM_001407898.1 and 12 more transcripts); and 53 more.
Identifiers: ClinVar variation 125708 (VCV000125708.5), dbSNP rs3737559, ClinGen allele CA002784.

ClinVar aggregate classification (germline): Benign. Review status: reviewed by expert panel (3 of 4 stars). 4 submissions from 4 submitters: Benign (1). 3 of the submissions do not count toward it. Last evaluated 2015-01-12.

Conditions:
Breast-ovarian cancer, familial, susceptibility to, 1 (BROVCA1). Also called: BRCA1 Hereditary Breast and Ovarian Cancer; OVARIAN CANCER, SUSCEPTIBILITY TO. Identifiers: Orphanet 145, MedGen C2676676, MONDO:0011450, OMIM 604370. Disease mechanism: loss of function.

Allele frequency attached by ClinVar (database versions not stated): TOPMed 0.06023; 1000 Genomes Project 30x 0.06199; 1000 Genomes Project 0.06430; gnomAD 0.06818 and 0.07062.
gnomAD v4.1: 92,231 of 1,141,584 alleles (8.1%); highest among the groups gnomAD compares: South Asian, 11%; 4,132 homozygotes.

Submissions (4):

Evidence-based Network for the Interpretation of Germline Mutant Alleles (ENIGMA)
Classification: Benign for Breast-ovarian cancer, familial 1. Last evaluated: 2015-01-12. Review status: reviewed by expert panel. Criteria: ENIGMA BRCA1/2 Classification Criteria (2015). Collection method: curation. Allele origin: germline.
Comment: Class 1 not pathogenic based on frequency >1% in an outbred sampleset. Frequency 0.08566 (Asian), 0.03862 (African), 0.07916 (European), derived from 1000 genomes (2012-04-30).

GeneDx
Classification: Benign. Last evaluated: 2018-06-23. Review status: criteria provided, single submitter. Criteria: GeneDx Variant Classification Process June 2021. Collection method: clinical testing. Allele origin: germline. Affected: yes. Not counted in ClinVar's aggregate classification.

Breakthrough Genomics
Classification: Benign. Review status: criteria provided, single submitter. Criteria: ACMG Guidelines, 2015. Collection method: not provided. Allele origin: germline. Inheritance: Autosomal recessive inheritance. Affected: yes. Not counted in ClinVar's aggregate classification.

Breast Cancer Information Core (BIC) (BRCA1)
Classification: Uncertain significance for Breast-ovarian cancer, familial 1. Last evaluated: 2009-08-07. Review status: no assertion criteria provided. Collection method: clinical testing. Allele origin: unknown. Affected: yes. Observed: 2 variant alleles. Not counted in ClinVar's aggregate classification.